The following is an entry in ClinVar:

ClinVar aggregate classification (germline): Uncertain significance (1 of 4 stars; one submission).

Conditions:
Autosomal dominant nocturnal frontal lobe epilepsy 5. Also called: Epilepsy, nocturnal frontal lobe, 5; CILIARY DYSKINESIA, PRIMARY, 28, WITHOUT SITUS INVERSUS; CILIARY DYSKINESIA, PRIMARY, 28, WITH SITUS INVERSUS; KCNT1-Related Epilepsy. Identifiers: Orphanet 98784, MedGen C3554306, MONDO:0014002, OMIM 615005.
Developmental and epileptic encephalopathy, 14 (DEE14). Also called: Early infantile epileptic encephalopathy 14. Identifiers: Orphanet 293181, MedGen C3554195, MONDO:0013989, OMIM 614959.

Submission:

Labcorp Genetics (formerly Invitae), Labcorp
Classification: Uncertain significance for Autosomal dominant nocturnal frontal lobe epilepsy 5; Developmental and epileptic encephalopathy, 14. Last evaluated: 2025-06-15. Review status: criteria provided, single submitter. Criteria: Invitae Variant Classification Sherloc (09022015). Collection method: clinical testing. Allele origin: germline.
Comment: This sequence change replaces glycine, which is neutral and non-polar, with tryptophan, which is neutral and slightly polar, at codon 691 of the KCNT1 protein (p.Gly691Trp). This variant is not present in population databases (gnomAD no frequency). This variant has not been reported in the literature in individuals affected with KCNT1-related conditions. ClinVar contains an entry for this variant (Variation ID: 2938758). Invitae Evidence Modeling of protein sequence and biophysical properties (such as structural, functional, and spatial information, amino acid conservation, physicochemical variation, residue mobility, and thermodynamic stability) indicates that this missense variant is not expected to disrupt KCNT1 protein function with a negative predictive value of 80%. In summary, the available evidence is currently insufficient to determine the role of this variant in disease. Therefore, it has been classified as a Variant of Uncertain Significance.

NM_020822.3(KCNT1):c.2071G>T (p.Gly691Trp)

Gene: KCNT1 (potassium sodium-activated channel subfamily T member 1; plus strand). Cytogenetic location: 9q34.3.
Variant type: single nucleotide variant.
Coding change: c.2071G>T on transcript NM_020822.3 (MANE Select); coding-DNA position 2071, G replaced by T.
Protein change: p.Gly691Trp; replaces glycine 691 with tryptophan.
Molecular consequence: missense variant.
Genome position (GRCh38, 1-based): chr9:135,772,777, G>T. VCF-style: chr9-135772777-G-T. GRCh37 (hg19) VCF-style: chr9-138664623-G-T.
Other names: c.1936G>T, p.Gly646Trp (NM_001272003.2); short protein forms G691W, G646W.
Identifiers: ClinVar variation 2938758 (VCV002938758.3), dbSNP rs769596439, ClinGen allele CA375510242.